The following is an entry in ClinVar:

NM_024753.5(TTC21B):c.3380dup (p.Asn1127fs)

Gene: TTC21B (tetratricopeptide repeat domain 21B; minus strand). Cytogenetic location: 2q24.3.
Variant type: Duplication.
Coding change: c.3380dup on transcript NM_024753.5 (MANE Select); coding-DNA position 3380, one base duplicated (A; older notation c.3380dupA).
Protein change: p.Asn1127fs; shifts the reading frame from asparagine 1127.
Molecular consequence: frameshift variant.
Genome position (GRCh38, 1-based): chr2:165,888,358, T duplicated on the plus strand (A on the coding strand, the reverse complement: TTC21B is on the minus strand); the first of 4 consecutive T bases (chr2:165,888,358-165,888,361); duplicating any one gives the same sequence. VCF-style (leftmost placement, unchanged base first): chr2-165888357-G-GT. GRCh37 (hg19) VCF-style: chr2-166744867-G-GT.
Other names: c.3380dupA (NM_024753.4); short protein forms N1127fs.
Identifiers: ClinVar variation 2068220 (VCV002068220.5), dbSNP rs780125805, ClinGen allele CA1941523.

ClinVar aggregate classification (germline): Pathogenic/Likely pathogenic. Review status: criteria provided, multiple submitters, no conflicts (2 of 4 stars). 2 submissions from 2 submitters: Pathogenic (1); Likely pathogenic (1). Last evaluated 2026-04-15.

Conditions:
TTC21B-related disorder. Also called: TTC21B-related condition; TTC21B-related disorders.
Nephronophthisis. Also called: Juvenile Nephronophthisis. Identifiers: Orphanet 655, MedGen C0687120, MONDO:0019005, HP:0000090.
Jeune thoracic dystrophy. Also called: Jeune syndrome; Infantile thoracic dystrophy; Thoracic pelvic phalangeal dystrophy; Jeune's syndrome; Chondroectodermal dysplasia-like syndrome; Short-rib thoracic dysplasia. Identifiers: Orphanet 474, MedGen C0265275, MONDO:0018770.

Submissions (2):

PreventionGenetics, part of Exact Sciences
Classification: Likely pathogenic for TTC21B-related condition. Last evaluated: 2026-04-15. Review status: criteria provided, single submitter. Criteria: ACMG Guidelines, 2015. Collection method: clinical testing. Allele origin: germline.
Comment: The TTC21B c.3380dupA variant is predicted to result in a frameshift and premature protein termination (p.Asn1127Lysfs*12). To our knowledge, this variant has not been reported in the literature or in a large population database (gnomAD), indicating this variant is rare. This variant is reported in 0.0033% of alleles in individuals of South Asian descent in gnomAD. Frameshift variants in TTC21B are expected to be pathogenic. This variant is interpreted as likely pathogenic.

Labcorp Genetics (formerly Invitae), Labcorp
Classification: Pathogenic for Jeune thoracic dystrophy; Nephronophthisis. Last evaluated: 2022-02-20. Review status: criteria provided, single submitter. Criteria: Invitae Variant Classification Sherloc (09022015). Collection method: clinical testing. Allele origin: germline.
Comment: This variant has not been reported in the literature in individuals affected with TTC21B-related conditions. This variant is present in population databases (rs780125805, gnomAD 0.003%). This sequence change creates a premature translational stop signal (p.Asn1127Lysfs*12) in the TTC21B gene. It is expected to result in an absent or disrupted protein product. Loss-of-function variants in TTC21B are known to be pathogenic (PMID: 18327258, 21068128, 21258341, 23559409, 24876116, 25492405, 27491411, 29068549). For these reasons, this variant has been classified as Pathogenic.

Literature cited by the submitters: PubMed 18327258 (cited by Labcorp Genetics (formerly Invitae), Labcorp); PubMed 21068128 (cited by Labcorp Genetics (formerly Invitae), Labcorp); PubMed 21258341 (cited by Labcorp Genetics (formerly Invitae), Labcorp); PubMed 23559409 (cited by Labcorp Genetics (formerly Invitae), Labcorp); PubMed 24876116 (cited by Labcorp Genetics (formerly Invitae), Labcorp); PubMed 25492405 (cited by Labcorp Genetics (formerly Invitae), Labcorp); PubMed 27491411 (cited by Labcorp Genetics (formerly Invitae), Labcorp); PubMed 29068549 (cited by Labcorp Genetics (formerly Invitae), Labcorp).